The following is an entry in ClinVar:

ClinVar aggregate classification (germline): Uncertain significance (1 of 4 stars; one submission).

Allele frequency attached by ClinVar (database versions not stated): gnomAD exomes below 0.00001.
gnomAD v4.1: 3 of 1,610,732 alleles (0.00019%); highest among the groups gnomAD compares: Non-Finnish European, 0.00025%; no homozygotes.

Submission:

Labcorp Genetics (formerly Invitae), Labcorp
Classification: Uncertain significance. Last evaluated: 2023-12-15. Review status: criteria provided, single submitter. Criteria: Invitae Variant Classification Sherloc (09022015). Collection method: clinical testing. Allele origin: germline.
Comment: This sequence change replaces glutamic acid, which is acidic and polar, with glycine, which is neutral and non-polar, at codon 769 of the HYOU1 protein (p.Glu769Gly). This variant is not present in population databases (gnomAD no frequency). This variant has not been reported in the literature in individuals affected with HYOU1-related conditions. ClinVar contains an entry for this variant (Variation ID: 1467145). An algorithm developed to predict the effect of missense changes on protein structure and function (PolyPhen-2) suggests that this variant is likely to be disruptive. In summary, the available evidence is currently insufficient to determine the role of this variant in disease. Therefore, it has been classified as a Variant of Uncertain Significance.

NM_006389.5(HYOU1):c.2306A>G (p.Glu769Gly)

Gene: HYOU1 (hypoxia up-regulated 1; minus strand). Cytogenetic location: 11q23.3.
Variant type: single nucleotide variant.
Coding change: c.2306A>G on transcript NM_006389.5 (MANE Select); coding-DNA position 2306, A replaced by G.
Protein change: p.Glu769Gly; replaces glutamic acid 769 with glycine.
Molecular consequence: missense variant.
Genome position (GRCh38, 1-based): chr11:119,048,318, T>C on the plus strand (A>G on the coding strand, the complement: HYOU1 is on the minus strand). VCF-style: chr11-119048318-T-C. GRCh37 (hg19) VCF-style: chr11-118919030-T-C.
Other names: c.2306A>G, p.Glu769Gly (NM_001130991.3); short protein forms E769G.
Identifiers: ClinVar variation 1467145 (VCV001467145.8), dbSNP rs2134683179, ClinGen allele CA382925072.